The following is an entry in ClinVar:

ClinVar aggregate classification (germline): Uncertain significance. Review status: criteria provided, multiple submitters, no conflicts (2 of 4 stars). 4 submissions from 4 submitters: Uncertain significance (4). Last evaluated 2025-04-17.

Conditions:
Hereditary cancer-predisposing syndrome. Also called: Hereditary neoplastic syndrome; Neoplastic Syndromes, Hereditary; Tumor predisposition; Hereditary Cancer Syndrome. Identifiers: Orphanet 140162, MedGen C0027672, MeSH D009386, MONDO:0015356.
Microcephaly, normal intelligence and immunodeficiency (NBS). Also called: IMMUNODEFICIENCY, MICROCEPHALY, AND CHROMOSOMAL INSTABILITY; SEEMANOVA SYNDROME II; Nijmegen breakage syndrome; Microcephaly with normal intelligence immunodeficiency and lymphoreticular malignancies; Nonsyndromal microcephaly autosomal recessive with normal intelligence; Seemanova syndrome 2. Identifiers: Orphanet 647, MedGen C0398791, MONDO:0009623, OMIM 251260.

Submissions (4):

Labcorp Genetics (formerly Invitae), Labcorp
Classification: Uncertain significance for Microcephaly, normal intelligence and immunodeficiency. Last evaluated: 2025-04-17. Review status: criteria provided, single submitter. Criteria: Invitae Variant Classification Sherloc (09022015). Collection method: clinical testing. Allele origin: germline.
Comment: This sequence change replaces glycine, which is neutral and non-polar, with arginine, which is basic and polar, at codon 214 of the NBN protein (p.Gly214Arg). This variant is not present in population databases (gnomAD no frequency). This variant has not been reported in the literature in individuals affected with NBN-related conditions. ClinVar contains an entry for this variant (Variation ID: 481832). An algorithm developed to predict the effect of missense changes on protein structure and function outputs the following: PolyPhen-2: "Benign". The arginine amino acid residue is found in multiple mammalian species, which suggests that this missense change does not adversely affect protein function. In summary, the available evidence is currently insufficient to determine the role of this variant in disease. Therefore, it has been classified as a Variant of Uncertain Significance.

GeneDx
Classification: Uncertain significance. Last evaluated: 2022-04-15. Review status: criteria provided, single submitter. Criteria: GeneDx Variant Classification Process June 2021. Collection method: clinical testing. Allele origin: germline. Affected: yes.
Comment: Not observed at significant frequency in large population cohorts (gnomAD); In silico analysis supports that this missense variant does not alter protein structure/function; Has not been previously published as a pathogenic or benign germline variant to our knowledge; This variant is associated with the following publications: (PMID: 33435622)

Ambry Genetics
Classification: Uncertain significance for Hereditary cancer-predisposing syndrome. Last evaluated: 2022-03-24. Review status: criteria provided, single submitter. Criteria: Ambry Variant Classification Scheme 2023. Collection method: clinical testing. Allele origin: germline.
Comment: The p.G214R variant (also known as c.640G>C), located in coding exon 6 of the NBN gene, results from a G to C substitution at nucleotide position 640. The glycine at codon 214 is replaced by arginine, an amino acid with dissimilar properties. This amino acid position is not well conserved in available vertebrate species. In addition, this alteration is predicted to be tolerated by in silico analysis. Since supporting evidence is limited at this time, the clinical significance of this alteration remains unclear.

Genome-Nilou Lab
Classification: Uncertain significance for Microcephaly, normal intelligence and immunodeficiency. Last evaluated: 2021-11-07. Review status: criteria provided, single submitter. Criteria: ACMG Guidelines, 2015. Collection method: clinical testing. Allele origin: germline. Affected: no.

NM_002485.5(NBN):c.640G>C (p.Gly214Arg)

Gene: NBN (nibrin; minus strand). Cytogenetic location: 8q21.3.
Variant type: single nucleotide variant.
Coding change: c.640G>C on transcript NM_002485.5 (MANE Select); coding-DNA position 640, G replaced by C.
Protein change: p.Gly214Arg; replaces glycine 214 with arginine.
Molecular consequence: missense variant.
Genome position (GRCh38, 1-based): chr8:89,971,235, C>G on the plus strand (G>C on the coding strand, the complement: NBN is on the minus strand). VCF-style: chr8-89971235-C-G. GRCh37 (hg19) VCF-style: chr8-90983463-C-G.
Other names: c.394G>C, p.Gly132Arg (NM_001024688.3); short protein forms G214R, G132R.
Identifiers: ClinVar variation 481832 (VCV000481832.16), dbSNP rs1554564269, ClinGen allele CA371659161.